The following is an entry in ClinVar:

NM_020774.4(MIB1):c.2405G>A (p.Gly802Asp)

Gene: MIB1 (MIB E3 ubiquitin protein ligase 1; plus strand). Cytogenetic location: 18q11.2.
Variant type: single nucleotide variant.
Coding change: c.2405G>A on transcript NM_020774.4 (MANE Select); coding-DNA position 2405, G replaced by A.
Protein change: p.Gly802Asp; replaces glycine 802 with aspartic acid.
Molecular consequence: missense variant.
Genome position (GRCh38, 1-based): chr18:21,849,207, G>A. VCF-style: chr18-21849207-G-A. GRCh37 (hg19) VCF-style: chr18-19429168-G-A.
Other names: short protein forms G802D.
Identifiers: ClinVar variation 1790786 (VCV001790786.3), dbSNP rs140659410, ClinGen allele CA8908609.
Genomic context (GRCh38, chr18:21,849,207, plus strand): 5'-GTGAATTTGTAATAAGATAGGCTTGATTTGAAATACTTTCTTTTATTAGTGGTCAAGTGG[G>A]TTCTCGGAGTCCTTCTATGATTAGTAATGATTCTGAAACCTTAGAAGAGTGTATGGTGTG-3'
Protein context (NP_065825.1, residues 792-812): CHKEKVSGQV[Gly802Asp]SRSPSMISND

ClinVar aggregate classification (germline): Uncertain significance. Review status: criteria provided, multiple submitters, no conflicts (2 of 4 stars). 2 submissions from 2 submitters: Uncertain significance (2). Last evaluated 2024-04-11.

Conditions:
Inborn genetic diseases. Identifiers: MedGen C0950123, MeSH D030342.

Allele frequency attached by ClinVar (database versions not stated): gnomAD 0.00002; TOPMed 0.00003; ExAC 0.00006; gnomAD exomes 0.00009; ESP Exome Variant Server 0.00023.
gnomAD v4.1: 135 of 1,555,298 alleles (0.0087%); highest among the groups gnomAD compares: Non-Finnish European, 0.011%; no homozygotes.

Submissions (2):

GeneDx
Classification: Uncertain significance. Last evaluated: 2024-04-11. Review status: criteria provided, single submitter. Criteria: GeneDx Variant Classification Process June 2021. Collection method: clinical testing. Allele origin: germline. Affected: yes.
Comment: Has not been previously published as pathogenic or benign to our knowledge; In silico analysis indicates that this missense variant does not alter protein structure/function

Ambry Genetics
Classification: Uncertain significance for Inborn genetic diseases. Last evaluated: 2024-01-22. Review status: criteria provided, single submitter. Criteria: Ambry Variant Classification Scheme 2023. Collection method: clinical testing. Allele origin: germline.
Comment: The p.G802D variant (also known as c.2405G>A), located in coding exon 17 of the MIB1 gene, results from a G to A substitution at nucleotide position 2405. The glycine at codon 802 is replaced by aspartic acid, an amino acid with similar properties. This amino acid position is conserved. In addition, the in silico prediction for this alteration is inconclusive. Since supporting evidence is limited at this time, the clinical significance of this alteration remains unclear.